The following is an entry in ClinVar:

ClinVar aggregate classification (germline): Uncertain significance (1 of 4 stars; one submission).

Submission:

GeneDx
Classification: Uncertain significance. Last evaluated: 2024-11-01. Review status: criteria provided, single submitter. Criteria: GeneDx Variant Classification Process June 2021. Collection method: clinical testing. Allele origin: germline. Affected: yes.
Comment: Not observed at significant frequency in large population cohorts (gnomAD); In silico analysis indicates that this missense variant does not alter protein structure/function; Has not been previously published as pathogenic or benign to our knowledge

NM_001184880.2(PCDH19):c.2815G>A (p.Val939Met)

Gene: PCDH19 (protocadherin 19; minus strand). Cytogenetic location: Xq22.1.
Variant type: single nucleotide variant.
Coding change: c.2815G>A on transcript NM_001184880.2 (MANE Select); coding-DNA position 2815, G replaced by A.
Protein change: p.Val939Met; replaces valine 939 with methionine.
Molecular consequence: missense variant.
Genome position (GRCh38, 1-based): chrX:100,341,936, C>T on the plus strand (G>A on the coding strand, the complement: PCDH19 is on the minus strand). VCF-style: chrX-100341936-C-T. GRCh37 (hg19) VCF-style: chrX-99596934-C-T.
Other names: c.2674G>A, p.Val892Met (NM_001105243.2); c.2671G>A, p.Val891Met (NM_020766.3); short protein forms V891M, V892M, V939M.
Identifiers: ClinVar variation 3897444 (VCV003897444.1).